The following is an entry in ClinVar:

NM_004380.3(CREBBP):c.6300C>G (p.Phe2100Leu)

Gene: CREBBP (CREB binding lysine acetyltransferase; minus strand). Cytogenetic location: 16p13.3.
Variant type: single nucleotide variant.
Coding change: c.6300C>G on transcript NM_004380.3 (MANE Select); coding-DNA position 6300, C replaced by G.
Protein change: p.Phe2100Leu; replaces phenylalanine 2100 with leucine.
Molecular consequence: missense variant.
Genome position (GRCh38, 1-based): chr16:3,728,747, G>C on the plus strand (C>G on the coding strand, the complement: CREBBP is on the minus strand). VCF-style: chr16-3728747-G-C. GRCh37 (hg19) VCF-style: chr16-3778748-G-C.
Other names: c.6186C>G, p.Phe2062Leu (NM_001079846.1); short protein forms F2062L, F2100L.
Identifiers: ClinVar variation 3720976 (VCV003720976.2).

ClinVar aggregate classification (germline): Uncertain significance (1 of 4 stars; one submission).

Conditions:
Rubinstein-Taybi syndrome (RSTS). Identifiers: Orphanet 783, MedGen C0035934, MONDO:0019188.

Submission:

Labcorp Genetics (formerly Invitae), Labcorp
Classification: Uncertain significance for Rubinstein-Taybi syndrome. Last evaluated: 2024-11-06. Review status: criteria provided, single submitter. Criteria: Invitae Variant Classification Sherloc (09022015). Collection method: clinical testing. Allele origin: germline.
Comment: This sequence change replaces phenylalanine, which is neutral and non-polar, with leucine, which is neutral and non-polar, at codon 2100 of the CREBBP protein (p.Phe2100Leu). This variant is not present in population databases (gnomAD no frequency). This variant has not been reported in the literature in individuals affected with CREBBP-related conditions. Invitae Evidence Modeling of protein sequence and biophysical properties (such as structural, functional, and spatial information, amino acid conservation, physicochemical variation, residue mobility, and thermodynamic stability) has been performed for this missense variant. However, the output from this modeling did not meet the statistical confidence thresholds required to predict the impact of this variant on CREBBP protein function. In summary, the available evidence is currently insufficient to determine the role of this variant in disease. Therefore, it has been classified as a Variant of Uncertain Significance.